The following is an entry in ClinVar:

NM_001373.1:c.7592_7595del

Gene: DNAH14 (dynein axonemal heavy chain 14; plus strand).
Variant type: Deletion.
Identifiers: ClinVar variation 4526916 (VCV004526916.1).

ClinVar aggregate classification (germline): Uncertain significance (1 of 4 stars; one submission).

Submission:

GeneDx
Classification: Uncertain significance. Last evaluated: 2025-04-22. Review status: criteria provided, single submitter. Criteria: GeneDx Variant Classification Process June 2021. Collection method: clinical testing. Allele origin: germline. Affected: yes.
Comment: Frameshift variant predicted to result in protein truncation or nonsense mediated decay in a gene or region of a gene for which loss of function is not a well-established mechanism of disease; Has not been previously published as pathogenic or benign to our knowledge